The following is an entry in ClinVar:

ClinVar aggregate classification (germline): Benign. Review status: criteria provided, single submitter (1 of 4 stars). 2 submissions from 2 submitters: Benign (1). 1 of the submissions does not count toward it. Last evaluated 2019-12-31.

Conditions:
PXDNL-related disorder. Also called: PXDNL-related condition.

Allele frequency attached by ClinVar (database versions not stated): gnomAD exomes 0.00062 and 0.00154; ExAC 0.00193; 1000 Genomes Project 0.00519; 1000 Genomes Project 30x 0.00547; gnomAD 0.00605 and 0.00659; ESP Exome Variant Server 0.00641; TOPMed 0.00694.
gnomAD v4.1: 1,847 of 1,613,432 alleles (0.11%); highest among the groups gnomAD compares: African/African-American, 2.2%; 18 homozygotes.

Submissions (2):

Labcorp Genetics (formerly Invitae), Labcorp
Classification: Benign. Last evaluated: 2019-12-31. Review status: criteria provided, single submitter. Criteria: Invitae Variant Classification Sherloc (09022015). Collection method: clinical testing. Allele origin: germline.

PreventionGenetics, part of Exact Sciences
Classification: Benign for PXDNL-related condition. Last evaluated: 2019-04-09. Review status: no assertion criteria provided. Collection method: clinical testing. Allele origin: germline. Not counted in ClinVar's aggregate classification.
Comment: This variant is classified as benign based on ACMG/AMP sequence variant interpretation guidelines (Richards et al. 2015 PMID: 25741868, with internal and published modifications).

NM_144651.5(PXDNL):c.3116A>G (p.Asn1039Ser)

Gene: PXDNL (peroxidasin like; minus strand). Cytogenetic location: 8q11.22.
Variant type: single nucleotide variant.
Coding change: c.3116A>G on transcript NM_144651.5 (MANE Select); coding-DNA position 3116, A replaced by G.
Protein change: p.Asn1039Ser; replaces asparagine 1039 with serine.
Molecular consequence: missense variant.
Genome position (GRCh38, 1-based): chr8:51,408,508, T>C on the plus strand (A>G on the coding strand, the complement: PXDNL is on the minus strand). VCF-style: chr8-51408508-T-C. GRCh37 (hg19) VCF-style: chr8-52321068-T-C.
Other names: short protein forms N1039S.
Identifiers: ClinVar variation 791166 (VCV000791166.6), dbSNP rs73678557, ClinGen allele CA4744885.
Genomic context (GRCh38, chr8:51,408,508, plus strand): 5'-AATGTGTGGCCAAATCTAAAGGCTGCAGTAGCAAAAGAGTTAATGATGCCTGCATTCACG[T>C]TGGGGTTGTAGCCTCGGTAACCCCTCAGCATCCTAGTGCCAGGGTCCCCCAGGACCTTAG-3'
Protein context (NP_653252.4, residues 1029-1049): MLRGYRGYNP[Asn1039Ser]VNAGIINSFA